The following is an entry in ClinVar:

NM_002180.3(IGHMBP2):c.2711C>T (p.Ala904Val)

Gene: IGHMBP2 (immunoglobulin mu DNA binding protein 2; plus strand). Cytogenetic location: 11q13.3.
Variant type: single nucleotide variant.
Coding change: c.2711C>T on transcript NM_002180.3 (MANE Select); coding-DNA position 2711, C replaced by T.
Protein change: p.Ala904Val; replaces alanine 904 with valine.
Molecular consequence: missense variant.
Genome position (GRCh38, 1-based): chr11:68,938,281, C>T. VCF-style: chr11-68938281-C-T. GRCh37 (hg19) VCF-style: chr11-68705749-C-T.
Other names: short protein forms A904V.
Identifiers: ClinVar variation 2014604 (VCV002014604.4), dbSNP rs2496081647, ClinGen allele CA381654412.

ClinVar aggregate classification (germline): Uncertain significance (1 of 4 stars; one submission).

Conditions:
Autosomal recessive distal spinal muscular atrophy 1. Also called: NEURONOPATHY, DISTAL HEREDITARY MOTOR, HARDING TYPE VI; NEUROPATHY, DISTAL HEREDITARY MOTOR, AUTOSOMAL RECESSIVE 1; HMN VI; NEURONOPATHY, SEVERE INFANTILE AXONAL, WITH RESPIRATORY FAILURE; SEVERE INFANTILE AXONAL NEUROPATHY WITH RESPIRATORY FAILURE; SPINAL MUSCULAR ATROPHY, DIAPHRAGMATIC. Identifiers: Orphanet 98920, MedGen C1858517, MONDO:0011436, OMIM 604320.
Charcot-Marie-Tooth disease axonal type 2S. Also called: CHARCOT-MARIE-TOOTH NEUROPATHY, TYPE 2S; CHARCOT-MARIE-TOOTH DISEASE, AXONAL, AUTOSOMAL RECESSIVE, TYPE 2S. Identifiers: Orphanet 443073, MedGen C4015349, MONDO:0014511, OMIM 616155.

Allele frequency attached by ClinVar (database versions not stated): gnomAD exomes below 0.00001.
gnomAD v4.1: 1 of 1,613,712 alleles (0.000062%); highest among the groups gnomAD compares: Non-Finnish European, 0.000085%; no homozygotes.

Submission:

Labcorp Genetics (formerly Invitae), Labcorp
Classification: Uncertain significance for Autosomal recessive distal spinal muscular atrophy 1; Charcot-Marie-Tooth disease axonal type 2S. Last evaluated: 2022-07-06. Review status: criteria provided, single submitter. Criteria: Invitae Variant Classification Sherloc (09022015). Collection method: clinical testing. Allele origin: germline.
Comment: In summary, the available evidence is currently insufficient to determine the role of this variant in disease. Therefore, it has been classified as a Variant of Uncertain Significance. Advanced modeling of protein sequence and biophysical properties (such as structural, functional, and spatial information, amino acid conservation, physicochemical variation, residue mobility, and thermodynamic stability) performed at Invitae indicates that this missense variant is not expected to disrupt IGHMBP2 protein function. This variant has not been reported in the literature in individuals affected with IGHMBP2-related conditions. This variant is not present in population databases (gnomAD no frequency). This sequence change replaces alanine, which is neutral and non-polar, with valine, which is neutral and non-polar, at codon 904 of the IGHMBP2 protein (p.Ala904Val).